The following is an entry in ClinVar:

NM_006231.4(POLE):c.2026+10G>A

Gene: POLE (DNA polymerase epsilon, catalytic subunit; minus strand). Cytogenetic location: 12q24.33.
Variant type: single nucleotide variant.
Coding change: c.2026+10G>A on transcript NM_006231.4 (MANE Select); 10 bases into the intron after coding-DNA position 2026, G replaced by A.
Molecular consequence: intron variant.
Genome position (GRCh38, 1-based): chr12:132,668,625, C>T on the plus strand (G>A on the coding strand, the complement: POLE is on the minus strand). VCF-style: chr12-132668625-C-T. GRCh37 (hg19) VCF-style: chr12-133245211-C-T.
Identifiers: ClinVar variation 473502 (VCV000473502.11), dbSNP rs1282226694, ClinGen allele CA608514458.

ClinVar aggregate classification (germline): Likely benign. Review status: criteria provided, multiple submitters, no conflicts (2 of 4 stars). 2 submissions from 2 submitters: Likely benign (2). Last evaluated 2025-02-26.

Allele frequency attached by ClinVar (database versions not stated): gnomAD 0.00001; gnomAD exomes 0.00001; TOPMed 0.00001.
gnomAD v4.1: 7 of 1,606,848 alleles (0.00044%); highest among the groups gnomAD compares: East Asian, 0.0022%; no homozygotes.

Submissions (2):

Labcorp Genetics (formerly Invitae), Labcorp
Classification: Likely benign. Last evaluated: 2025-02-26. Review status: criteria provided, single submitter. Criteria: Invitae Variant Classification Sherloc (09022015). Collection method: clinical testing. Allele origin: germline.

GeneDx
Classification: Likely benign. Last evaluated: 2017-10-16. Review status: criteria provided, single submitter. Criteria: GeneDx Variant Classification (06012015). Collection method: clinical testing. Allele origin: germline. Affected: yes.
Comment: This variant is considered likely benign or benign based on one or more of the following criteria: it is a conservative change, it occurs at a poorly conserved position in the protein, it is predicted to be benign by multiple in silico algorithms, and/or has population frequency not consistent with disease.